The following is an entry in ClinVar:

NM_153676.4(USH1C):c.2269C>T (p.Arg757Cys)

Gene: USH1C (USH1 protein network component harmonin; minus strand). Cytogenetic location: 11p15.1.
Variant type: single nucleotide variant.
Coding change: c.2269C>T on transcript NM_153676.4 (MANE Select); coding-DNA position 2269, C replaced by T.
Protein change: p.Arg757Cys; replaces arginine 757 with cysteine.
Molecular consequence: missense variant. On other transcripts: non-coding transcript variant (1).
Genome position (GRCh38, 1-based): chr11:17,501,493, G>A on the plus strand (C>T on the coding strand, the complement: USH1C is on the minus strand). VCF-style: chr11-17501493-G-A. GRCh37 (hg19) VCF-style: chr11-17523040-G-A.
Other names: c.1312C>T, p.Arg438Cys (NM_001297764.2); c.1369C>T, p.Arg457Cys (NM_005709.4); c.2269C>T (NM_153676.3); short protein forms R438C, R457C, R757C.
Identifiers: ClinVar variation 1209665 (VCV001209665.31), dbSNP rs757163581, ClinGen allele CA5904255.

ClinVar aggregate classification (germline): Conflicting classifications of pathogenicity. Review status: criteria provided, conflicting classifications (1 of 4 stars). 5 submissions from 4 submitters: Likely pathogenic (1); Uncertain significance (4). Last evaluated 2025-12-30.

Conditions:
Usher syndrome type 1C. Also called: USHER SYNDROME, TYPE I, ACADIAN VARIETY. Identifiers: Orphanet 231169, Orphanet 886, MedGen C1848604, MONDO:0010171, OMIM 276904.
Autosomal recessive nonsyndromic hearing loss 18A. Also called: DEAFNESS, AUTOSOMAL RECESSIVE 18; Deafness, autosomal recessive 18A. Identifiers: Orphanet 90636, MedGen C1865870, MONDO:0011192, OMIM 602092.
Usher syndrome. Also called: Usher Syndromes; Usher's syndrome. Identifiers: Orphanet 886, MedGen CN469326, MeSH D052245, MONDO:0019501. Disease mechanism: loss of function.
USH1C-related disorder. Also called: USH1C-related condition.

Allele frequency attached by ClinVar (database versions not stated): gnomAD 0.00005 and 0.00006; TOPMed 0.00006.
gnomAD v4.1: 73 of 1,612,958 alleles (0.0045%); highest among the groups gnomAD compares: Admixed American, 0.01%; no homozygotes.

Submissions (5):

PreventionGenetics, part of Exact Sciences
Classification: Uncertain significance for USH1C-related condition. Last evaluated: 2025-12-30. Review status: criteria provided, single submitter. Criteria: ACMG Guidelines, 2015. Collection method: clinical testing. Allele origin: germline.
Comment: The USH1C c.2269C>T variant is predicted to result in the amino acid substitution p.Arg757Cys. To our knowledge, this variant has not been reported in the literature in association with deafness or Usher syndrome. This variant is reported in 0.0085% of alleles in individuals of Latino descent in gnomAD. At this time, the clinical significance of this variant is uncertain due to the absence of conclusive functional and genetic evidence.

Labcorp Genetics (formerly Invitae), Labcorp
Classification: Uncertain significance. Last evaluated: 2024-10-23. Review status: criteria provided, single submitter. Criteria: Invitae Variant Classification Sherloc (09022015). Collection method: clinical testing. Allele origin: germline.
Comment: This sequence change replaces arginine, which is basic and polar, with cysteine, which is neutral and slightly polar, at codon 457 of the USH1C protein (p.Arg457Cys). This variant is present in population databases (rs757163581, gnomAD 0.009%). This variant has not been reported in the literature in individuals affected with USH1C-related conditions. This variant is also known as p.R757C. ClinVar contains an entry for this variant (Variation ID: 1209665). An algorithm developed to predict the effect of missense changes on protein structure and function (PolyPhen-2) suggests that this variant is likely to be disruptive. In summary, the available evidence is currently insufficient to determine the role of this variant in disease. Therefore, it has been classified as a Variant of Uncertain Significance.

SN ONGC Dept of Genetics and Molecular biology Vision Research Foundation
Classification: Likely pathogenic for Usher syndrome. Last evaluated: 2022-12-31. Review status: criteria provided, single submitter. Criteria: ACMG Guidelines, 2015. Collection method: research. Allele origin: unknown. Affected: yes. Observed: 1 variant allele, 1 heterozygote.

Genome-Nilou Lab
Classification: Uncertain significance for Autosomal recessive nonsyndromic hearing loss 18A. Last evaluated: 2021-07-22. Review status: criteria provided, single submitter. Criteria: ACMG Guidelines, 2015. Collection method: clinical testing. Allele origin: germline. Affected: no.

Genome-Nilou Lab
Classification: Uncertain significance for Usher syndrome type 1C. Last evaluated: 2021-07-22. Review status: criteria provided, single submitter. Criteria: ACMG Guidelines, 2015. Collection method: clinical testing. Allele origin: germline. Affected: no.